The following is an entry in ClinVar:

NM_006648.4(WNK2):c.1139A>C (p.Tyr380Ser)

Gene: WNK2 (WNK lysine deficient protein kinase 2; plus strand). Cytogenetic location: 9q22.31.
Variant type: single nucleotide variant.
Coding change: c.1139A>C on transcript NM_006648.4 (MANE Select); coding-DNA position 1139, A replaced by C.
Protein change: p.Tyr380Ser; replaces tyrosine 380 with serine.
Molecular consequence: missense variant.
Genome position (GRCh38, 1-based): chr9:93,234,871, A>C. VCF-style: chr9-93234871-A-C. GRCh37 (hg19) VCF-style: chr9-95997153-A-C.
Other names: c.1139A>C, p.Tyr380Ser (NM_001282394.3); short protein forms Y380S.
Identifiers: ClinVar variation 3981754 (VCV003981754.1).

ClinVar aggregate classification (germline): Uncertain significance (1 of 4 stars; one submission).

Submission:

Ambry Genetics
Classification: Uncertain significance. Last evaluated: 2025-03-29. Review status: criteria provided, single submitter. Criteria: Ambry Variant Classification Scheme 2023. Collection method: clinical testing. Allele origin: germline.
Comment: The p.Y380S variant (also known as c.1139A>C), located in coding exon 4 of the WNK2 gene, results from an A to C substitution at nucleotide position 1139. The tyrosine at codon 380 is replaced by serine, an amino acid with dissimilar properties. This amino acid position is conserved. In addition, this alteration is predicted to be deleterious by in silico analysis. Based on the available evidence, the clinical significance of this variant remains unclear.